The following is an entry in ClinVar:

NM_004369.4(COL6A3):c.4787T>C (p.Val1596Ala)

Gene: COL6A3 (collagen type VI alpha 3 chain; minus strand). Cytogenetic location: 2q37.3.
Variant type: single nucleotide variant.
Coding change: c.4787T>C on transcript NM_004369.4 (MANE Select); coding-DNA position 4787, T replaced by C.
Protein change: p.Val1596Ala; replaces valine 1596 with alanine.
Molecular consequence: missense variant.
Genome position (GRCh38, 1-based): chr2:237,368,676, A>G on the plus strand (T>C on the coding strand, the complement: COL6A3 is on the minus strand). VCF-style: chr2-237368676-A-G. GRCh37 (hg19) VCF-style: chr2-238277319-A-G.
Other names: c.2966T>C, p.Val989Ala (NM_057166.5); c.4169T>C, p.Val1390Ala (NM_057167.4); short protein forms V1596A, V989A, V1390A.
Identifiers: ClinVar variation 580416 (VCV000580416.11), dbSNP rs1559239279, ClinGen allele CA351191027.

ClinVar aggregate classification (germline): Uncertain significance (1 of 4 stars; one submission).

Conditions:
Bethlem myopathy 1A. Also called: Bethlem myopathy 1; MYOPATHY, BENIGN CONGENITAL, WITH CONTRACTURES; Bethlem Muscular Dystrophy. Identifiers: Orphanet 610, MedGen CN029274, MONDO:0024530, OMIM 158810.

Allele frequency attached by ClinVar (database versions not stated): gnomAD exomes below 0.00001.
gnomAD v4.1: 2 of 1,614,076 alleles (0.00012%); highest among the groups gnomAD compares: Non-Finnish European, 0.000085%; no homozygotes.

Submission:

Labcorp Genetics (formerly Invitae), Labcorp
Classification: Uncertain significance for Bethlem myopathy 1A. Last evaluated: 2025-09-02. Review status: criteria provided, single submitter. Criteria: Invitae Variant Classification Sherloc (09022015). Collection method: clinical testing. Allele origin: germline.
Comment: This sequence change replaces valine, which is neutral and non-polar, with alanine, which is neutral and non-polar, at codon 1596 of the COL6A3 protein (p.Val1596Ala). This variant is not present in population databases (gnomAD no frequency). This variant has not been reported in the literature in individuals affected with COL6A3-related conditions. ClinVar contains an entry for this variant (Variation ID: 580416). Invitae Evidence Modeling of protein sequence and biophysical properties (such as structural, functional, and spatial information, amino acid conservation, physicochemical variation, residue mobility, and thermodynamic stability) indicates that this missense variant is not expected to disrupt COL6A3 protein function with a negative predictive value of 80%. In summary, the available evidence is currently insufficient to determine the role of this variant in disease. Therefore, it has been classified as a Variant of Uncertain Significance.